The following is an entry in ClinVar:

NM_002618.4(PEX13):c.326G>C (p.Arg109Pro)

Gene: PEX13 (peroxisomal biogenesis factor 13; plus strand). Cytogenetic location: 2p15.
Variant type: single nucleotide variant.
Coding change: c.326G>C on transcript NM_002618.4 (MANE Select); coding-DNA position 326, G replaced by C.
Protein change: p.Arg109Pro; replaces arginine 109 with proline.
Molecular consequence: missense variant.
Genome position (GRCh38, 1-based): chr2:61,031,652, G>C. VCF-style: chr2-61031652-G-C. GRCh37 (hg19) VCF-style: chr2-61258787-G-C.
Other names: short protein forms R109P.
Identifiers: ClinVar variation 1492433 (VCV001492433.5), dbSNP rs372193938, ClinGen allele CA1673280.
Genomic context (GRCh38, chr2:61,031,652, plus strand): 5'-TTTATGGAGGCTATAGTCCTTATAGTTATGGATATAATGGGCTGGGCTACAACCGCCTCC[G>C]TGTAGATGATCTTCCACCCAGTAGATTTGTTCAGCAAGCTGAAGAAAGCAGCAGGGGTGC-3'
Protein context (NP_002609.1, residues 99-119): GYNGLGYNRL[Arg109Pro]VDDLPPSRFV

ClinVar aggregate classification (germline): Uncertain significance (1 of 4 stars; one submission).

Conditions:
Peroxisome biogenesis disorder 11A (Zellweger). Also called: Peroxisome biogenesis disorder 11A. Identifiers: Orphanet 912, MedGen C3554000, MONDO:0013949, OMIM 614883.

Allele frequency attached by ClinVar (database versions not stated): 1000 Genomes Project 0.00020; 1000 Genomes Project 30x 0.00031.
gnomAD v4.1: 14 of 1,614,110 alleles (0.00087%); highest among the groups gnomAD compares: East Asian, 0.029%; no homozygotes.

Submission:

Labcorp Genetics (formerly Invitae), Labcorp
Classification: Uncertain significance for Peroxisome biogenesis disorder 11A (Zellweger). Last evaluated: 2022-02-03. Review status: criteria provided, single submitter. Criteria: Invitae Variant Classification Sherloc (09022015). Collection method: clinical testing. Allele origin: germline.
Comment: This sequence change replaces arginine, which is basic and polar, with proline, which is neutral and non-polar, at codon 109 of the PEX13 protein (p.Arg109Pro). This variant is present in population databases (rs372193938, gnomAD 0.02%). This variant has not been reported in the literature in individuals affected with PEX13-related conditions. Algorithms developed to predict the effect of missense changes on protein structure and function (SIFT, PolyPhen-2, Align-GVGD) all suggest that this variant is likely to be tolerated. In summary, the available evidence is currently insufficient to determine the role of this variant in disease. Therefore, it has been classified as a Variant of Uncertain Significance.